The following is an entry in ClinVar:

ClinVar aggregate classification (germline): Uncertain significance (1 of 4 stars; one submission).

Submission:

GeneDx
Classification: Uncertain significance. Last evaluated: 2025-09-29. Review status: criteria provided, single submitter. Criteria: GeneDx Variant Classification Process June 2021. Collection method: clinical testing. Allele origin: germline.
Comment: Not observed at significant frequency in large population cohorts (gnomAD); In silico analysis suggests that this missense variant does not alter protein structure/function; Has not been previously published as pathogenic or benign to our knowledge

NM_170606.3(KMT2C):c.2587T>G (p.Ser863Ala)

Gene: KMT2C (lysine methyltransferase 2C; minus strand). Cytogenetic location: 7q36.1.
Variant type: single nucleotide variant.
Coding change: c.2587T>G on transcript NM_170606.3 (MANE Select); coding-DNA position 2587, T replaced by G.
Protein change: p.Ser863Ala; replaces serine 863 with alanine.
Molecular consequence: missense variant.
Genome position (GRCh38, 1-based): chr7:152,238,772, A>C on the plus strand (T>G on the coding strand, the complement: KMT2C is on the minus strand). VCF-style: chr7-152238772-A-C. GRCh37 (hg19) VCF-style: chr7-151935857-A-C.
Other names: short protein forms S863A.
Identifiers: ClinVar variation 3907904 (VCV003907904.2).